The following is an entry in ClinVar:

ClinVar aggregate classification (germline): Uncertain significance (1 of 4 stars; one submission).

Allele frequency attached by ClinVar (database versions not stated): gnomAD 0.00001.
gnomAD v4.1: 15 of 1,613,962 alleles (0.00093%); highest among the groups gnomAD compares: Admixed American, 0.0067%; no homozygotes.

Submission:

Labcorp Genetics (formerly Invitae), Labcorp
Classification: Uncertain significance. Last evaluated: 2025-11-28. Review status: criteria provided, single submitter. Criteria: Invitae Variant Classification Sherloc (09022015). Collection method: clinical testing. Allele origin: germline.
Comment: This sequence change replaces leucine, which is neutral and non-polar, with phenylalanine, which is neutral and non-polar, at codon 329 of the KIF22 protein (p.Leu329Phe). This variant is present in population databases (no rsID available, gnomAD 0.003%). This variant has not been reported in the literature in individuals affected with KIF22-related conditions. ClinVar contains an entry for this variant (Variation ID: 1487673). Invitae Evidence Modeling of protein sequence and biophysical properties (such as structural, functional, and spatial information, amino acid conservation, physicochemical variation, residue mobility, and thermodynamic stability) has been performed for this missense variant. However, the output from this modeling did not meet the statistical confidence thresholds required to predict the impact of this variant on KIF22 protein function. In summary, the available evidence is currently insufficient to determine the role of this variant in disease. Therefore, it has been classified as a Variant of Uncertain Significance.

NM_007317.3(KIF22):c.987G>C (p.Leu329Phe)

Gene: KIF22 (kinesin family member 22; plus strand). Cytogenetic location: 16p11.2.
Variant type: single nucleotide variant.
Coding change: c.987G>C on transcript NM_007317.3 (MANE Select); coding-DNA position 987, G replaced by C.
Protein change: p.Leu329Phe; replaces leucine 329 with phenylalanine.
Molecular consequence: missense variant.
Genome position (GRCh38, 1-based): chr16:29,799,491, G>C. VCF-style: chr16-29799491-G-C. GRCh37 (hg19) VCF-style: chr16-29810812-G-C.
Other names: c.783G>C, p.Leu261Phe (NM_001256269.2, NM_001256270.1); short protein forms L261F, L329F.
Identifiers: ClinVar variation 1487673 (VCV001487673.8), dbSNP rs1470942020, ClinGen allele CA395454428.